The following is an entry in ClinVar:

NM_001128178.3(NPHP1):c.1043T>C (p.Leu348Pro)

Gene: NPHP1 (nephrocystin 1; minus strand). Cytogenetic location: 2q13.
Variant type: single nucleotide variant.
Coding change: c.1043T>C on transcript NM_001128178.3 (MANE Select); coding-DNA position 1043, T replaced by C.
Protein change: p.Leu348Pro; replaces leucine 348 with proline.
Molecular consequence: missense variant.
Genome position (GRCh38, 1-based): chr2:110,160,167, A>G on the plus strand (T>C on the coding strand, the complement: NPHP1 is on the minus strand). VCF-style: chr2-110160167-A-G. GRCh37 (hg19) VCF-style: chr2-110917744-A-G.
Other names: c.1211T>C (NM_000272.4); c.1211T>C, p.Leu404Pro (NM_000272.5); c.854T>C, p.Leu285Pro (NM_001128179.3); c.1040T>C, p.Leu347Pro (NM_001374256.1); c.1043T>C, p.Leu348Pro (NM_001374257.1); c.1208T>C, p.Leu403Pro (NM_207181.4); short protein forms L404P, L348P, L347P, L285P, L403P.
Identifiers: ClinVar variation 3584254 (VCV003584254.2).

ClinVar aggregate classification (germline): Uncertain significance. Review status: criteria provided, multiple submitters, no conflicts (2 of 4 stars). 2 submissions from 2 submitters: Uncertain significance (2). Last evaluated 2026-08-06.

Conditions:
Senior-Loken syndrome 1 (SLSN1). Also called: JUVENILE NEPHRONOPHTHISIS WITH LEBER AMAUROSIS. Identifiers: Orphanet 3156, MedGen C4551559, MONDO:0009962, OMIM 266900.
Nephronophthisis 1 (NPHP1). Also called: Nephronophthisis familial juvenile. Identifiers: Orphanet 655, Orphanet 93592, MedGen C1855681, MONDO:0009728, OMIM 256100.
Joubert syndrome with renal defect. Also called: JOUBERT SYNDROME 4. Identifiers: Orphanet 220497, MedGen C1846790, MONDO:0012308, OMIM 609583.

Submissions (2):

OLLIN Analises Genomicas, OLLIN
Classification: Uncertain significance for Senior-Loken syndrome 1. Last evaluated: 2026-08-06. Review status: criteria provided, single submitter. Criteria: ACMG Guidelines 2015 PMID 25741868. Collection method: clinical testing. Allele origin: germline. Inheritance: Autosomal recessive inheritance.
Comment: This missense variant, located in exon 11 (of 20), has been reported in ClinVar (accession VCV003584254.1) and in gnomAD with an allele frequency of 0.000062%. However, to our knowledge, it has not been reported in the scientific literature. In silico analysis predicts that this variant has a deleterious effect. This gene has high tolerance to missense variation. According to the currently available evidence, this variant has been classified as uncertain significance (PM2_P, PP3_M, BP1).

Fulgent Genetics
Classification: Uncertain significance for Nephronophthisis 1; Senior-Loken syndrome 1; Joubert syndrome with renal defect. Last evaluated: 2024-05-17. Review status: criteria provided, single submitter. Criteria: ACMG Guidelines, 2015. Collection method: clinical testing. Allele origin: germline.